The following is an entry in ClinVar:

ClinVar aggregate classification (germline): Uncertain significance. Review status: criteria provided, multiple submitters, no conflicts (2 of 4 stars). 2 submissions from 2 submitters: Uncertain significance (2). Last evaluated 2024-03-18.

Conditions:
ALG1-congenital disorder of glycosylation. Also called: CDG Ik; CONGENITAL DISORDER OF GLYCOSYLATION, TYPE Ik; ALG1-CDG. Identifiers: Orphanet 79327, MedGen C2931005, MONDO:0012052, OMIM 608540.

Allele frequency attached by ClinVar (database versions not stated): TOPMed 0.00001.

Submissions (2):

Fulgent Genetics
Classification: Uncertain significance for ALG1-congenital disorder of glycosylation. Last evaluated: 2024-03-18. Review status: criteria provided, single submitter. Criteria: ACMG Guidelines, 2015. Collection method: clinical testing. Allele origin: germline.

Labcorp Genetics (formerly Invitae), Labcorp
Classification: Uncertain significance for ALG1-congenital disorder of glycosylation. Last evaluated: 2023-07-30. Review status: criteria provided, single submitter. Criteria: Invitae Variant Classification Sherloc (09022015). Collection method: clinical testing. Allele origin: germline.
Comment: In summary, the available evidence is currently insufficient to determine the role of this variant in disease. Therefore, it has been classified as a Variant of Uncertain Significance. Advanced modeling of protein sequence and biophysical properties (such as structural, functional, and spatial information, amino acid conservation, physicochemical variation, residue mobility, and thermodynamic stability) performed at Invitae indicates that this missense variant is expected to disrupt ALG1 protein function. ClinVar contains an entry for this variant (Variation ID: 1352846). This variant has not been reported in the literature in individuals affected with ALG1-related conditions. This variant is not present in population databases (gnomAD no frequency). This sequence change replaces serine, which is neutral and polar, with cysteine, which is neutral and slightly polar, at codon 293 of the ALG1 protein (p.Ser293Cys).

NM_019109.5(ALG1):c.878C>G (p.Ser293Cys)

Gene: ALG1 (ALG1 chitobiosyldiphosphodolichol beta-mannosyltransferase; plus strand). Cytogenetic location: 16p13.3.
Variant type: single nucleotide variant.
Coding change: c.878C>G on transcript NM_019109.5 (MANE Select); coding-DNA position 878, C replaced by G.
Protein change: p.Ser293Cys; replaces serine 293 with cysteine.
Molecular consequence: missense variant.
Genome position (GRCh38, 1-based): chr16:5,079,079, C>G. VCF-style: chr16-5079079-C-G. GRCh37 (hg19) VCF-style: chr16-5129080-C-G.
Other names: c.545C>G, p.Ser182Cys (NM_001330504.2); short protein forms S293C, S182C.
Identifiers: ClinVar variation 1352846 (VCV001352846.7), dbSNP rs1421613066, ClinGen allele CA394681948.
Genomic context (GRCh38, chr16:5,079,079, plus strand): 5'-GGGTGTCTAGAAACAGGCCCCTGACATTCAATTCTCTTCTCATAGAGGACGAAGACTTCT[C>G]CATCCTGCTGGCAGCTTTAGAAAGTAGGTGTGTGGCTGCGGTGAGGAGCTCTGGGCTTGT-3'
Protein context (NP_061982.3, residues 283-303): STSWTEDEDF[Ser293Cys]ILLAALEKFE